The following is an entry in ClinVar:

ClinVar aggregate classification (germline): Uncertain significance. Review status: criteria provided, multiple submitters, no conflicts (2 of 4 stars). 2 submissions from 2 submitters: Uncertain significance (2). Last evaluated 2024-10-23.

Conditions:
Inborn genetic diseases. Identifiers: MedGen C0950123, MeSH D030342.

Allele frequency attached by ClinVar (database versions not stated): gnomAD exomes 0.00001.
gnomAD v4.1: 12 of 1,576,190 alleles (0.00076%); highest among the groups gnomAD compares: African/African-American, 0.004%; no homozygotes.

Submissions (2):

Labcorp Genetics (formerly Invitae), Labcorp
Classification: Uncertain significance. Last evaluated: 2024-10-23. Review status: criteria provided, single submitter. Criteria: Invitae Variant Classification Sherloc (09022015). Collection method: clinical testing. Allele origin: germline.
Comment: This sequence change replaces arginine, which is basic and polar, with glutamine, which is neutral and polar, at codon 776 of the SPEG protein (p.Arg776Gln). The frequency data for this variant in the population databases is considered unreliable, as metrics indicate poor data quality at this position in the gnomAD database. This variant has not been reported in the literature in individuals affected with SPEG-related conditions. ClinVar contains an entry for this variant (Variation ID: 1931637). An algorithm developed to predict the effect of missense changes on protein structure and function (PolyPhen-2) suggests that this variant is likely to be disruptive. In summary, the available evidence is currently insufficient to determine the role of this variant in disease. Therefore, it has been classified as a Variant of Uncertain Significance.

Ambry Genetics
Classification: Uncertain significance for Inborn genetic diseases. Last evaluated: 2023-02-14. Review status: criteria provided, single submitter. Criteria: Ambry Variant Classification Scheme 2023. Collection method: clinical testing. Allele origin: germline.

NM_005876.5(SPEG):c.2327G>A (p.Arg776Gln)

Gene: SPEG (striated muscle enriched protein kinase; plus strand). Cytogenetic location: 2q35.
Variant type: single nucleotide variant.
Coding change: c.2327G>A on transcript NM_005876.5 (MANE Select); coding-DNA position 2327, G replaced by A.
Protein change: p.Arg776Gln; replaces arginine 776 with glutamine.
Molecular consequence: missense variant.
Genome position (GRCh38, 1-based): chr2:219,451,694, G>A. VCF-style: chr2-219451694-G-A. GRCh37 (hg19) VCF-style: chr2-220316416-G-A.
Other names: c.2327G>A (NM_005876.4); short protein forms R776Q.
Identifiers: ClinVar variation 1931637 (VCV001931637.6), dbSNP rs771136294, ClinGen allele CA2125817.